The following is an entry in ClinVar:

ClinVar aggregate classification (germline): Conflicting classifications of pathogenicity. Review status: criteria provided, conflicting classifications (1 of 4 stars). 4 submissions from 4 submitters: Uncertain significance (2); Likely benign (1). 1 of the submissions does not count toward it. Last evaluated 2024-06-14.

Conditions:
Peroxisome biogenesis disorder 2B (PBD2B). Identifiers: Orphanet 44, MedGen C3550234, MONDO:0008736, OMIM 202370.
PEX5-related disorder. Also called: PEX5-Related Disorders; PEX5-related condition.

Allele frequency attached by ClinVar (database versions not stated): gnomAD exomes 0.00008 and 0.00020; gnomAD 0.00011 and 0.00013; ExAC 0.00012; 1000 Genomes Project 30x 0.00016; 1000 Genomes Project 0.00020; TOPMed 0.00025.
gnomAD v4.1: 137 of 1,614,066 alleles (0.0085%); highest among the groups gnomAD compares: Admixed American, 0.087%; 1 homozygote.

Submissions (4):

Blueprint Genetics
Classification: Likely benign. Last evaluated: 2024-06-14. Review status: criteria provided, single submitter. Criteria: ACMG Guidelines, 2015. Collection method: clinical testing. Allele origin: germline.

Labcorp Genetics (formerly Invitae), Labcorp
Classification: Uncertain significance for Peroxisome biogenesis disorder 2B. Last evaluated: 2022-11-01. Review status: criteria provided, single submitter. Criteria: Invitae Variant Classification Sherloc (09022015). Collection method: clinical testing. Allele origin: germline.
Comment: This sequence change replaces arginine, which is basic and polar, with glutamine, which is neutral and polar, at codon 480 of the PEX5 protein (p.Arg480Gln). This variant is present in population databases (rs759523235, gnomAD 0.1%). This variant has not been reported in the literature in individuals affected with PEX5-related conditions. ClinVar contains an entry for this variant (Variation ID: 596979). Advanced modeling of protein sequence and biophysical properties (such as structural, functional, and spatial information, amino acid conservation, physicochemical variation, residue mobility, and thermodynamic stability) performed at Invitae indicates that this missense variant is not expected to disrupt PEX5 protein function. In summary, the available evidence is currently insufficient to determine the role of this variant in disease. Therefore, it has been classified as a Variant of Uncertain Significance.

Eurofins Ntd Llc (ga)
Classification: Uncertain significance. Last evaluated: 2018-04-25. Review status: criteria provided, single submitter. Criteria: EGL ClinVar v180209 classification definitions. Collection method: clinical testing. Allele origin: germline. Observed: 1 variant allele, 1 heterozygote.

PreventionGenetics, part of Exact Sciences
Classification: Uncertain significance for PEX5-related condition. Last evaluated: 2024-09-25. Review status: no assertion criteria provided. Collection method: clinical testing. Allele origin: germline. Not counted in ClinVar's aggregate classification.
Comment: The PEX5 c.1439G>A variant is predicted to result in the amino acid substitution p.Arg480Gln. This variant was reported as a variant of uncertain significance in an individual with inherited retinal dystrophy (Table S12, Diñeiro et al 2020. PubMed ID: 32483926). This variant is reported in 0.099% of alleles in individuals of Latino descent in gnomAD. At this time, the clinical significance of this variant is uncertain due to the absence of conclusive functional and genetic evidence.

NM_001351132.2(PEX5):c.1439G>A (p.Arg480Gln)

Gene: PEX5 (peroxisomal biogenesis factor 5; plus strand). Cytogenetic location: 12p13.31.
Variant type: single nucleotide variant.
Coding change: c.1439G>A on transcript NM_001351132.2 (MANE Select); coding-DNA position 1439, G replaced by A.
Protein change: p.Arg480Gln; replaces arginine 480 with glutamine.
Molecular consequence: missense variant.
Genome position (GRCh38, 1-based): chr12:7,209,049, G>A. VCF-style: chr12-7209049-G-A. GRCh37 (hg19) VCF-style: chr12-7361645-G-A.
Other names: c.1415G>A, p.Arg472Gln (NM_000319.5); c.1484G>A, p.Arg495Gln (NM_001131023.2); c.1328G>A, p.Arg443Gln (NM_001131024.2, NM_001351124.3, NM_001351126.2 and 7 more transcripts); c.1439G>A, p.Arg480Gln (NM_001131025.2, NM_001131026.2, NM_001300789.3 and 4 more transcripts); c.1373G>A, p.Arg458Gln (NM_001351135.3, NM_001351138.2); c.1430G>A, p.Arg477Gln (NM_001351136.2); c.1304G>A, p.Arg435Gln (NM_001351139.2, NM_001351140.2, NM_001374649.2); short protein forms R472Q, R480Q, R443Q, R435Q, R458Q, R495Q, R477Q.
Identifiers: ClinVar variation 596979 (VCV000596979.11), dbSNP rs759523235, ClinGen allele CA6426468.